The following is an entry in ClinVar:

NM_001292063.2(OTOG):c.5581C>A (p.Pro1861Thr)

Gene: OTOG (otogelin; plus strand). Cytogenetic location: 11p15.1.
Variant type: single nucleotide variant.
Coding change: c.5581C>A on transcript NM_001292063.2 (MANE Select); coding-DNA position 5581, C replaced by A.
Protein change: p.Pro1861Thr; replaces proline 1861 with threonine.
Molecular consequence: missense variant.
Genome position (GRCh38, 1-based): chr11:17,610,881, C>A. VCF-style: chr11-17610881-C-A. GRCh37 (hg19) VCF-style: chr11-17632428-C-A.
Other names: c.5617C>A, p.Pro1873Thr (NM_001277269.2); short protein forms P1861T, P1873T.
Identifiers: ClinVar variation 3600658 (VCV003600658.1).

ClinVar aggregate classification (germline): Uncertain significance (1 of 4 stars; one submission).

gnomAD v4.1: 1 of 1,550,768 alleles (0.000064%); highest among the groups gnomAD compares: Admixed American, 0.002%; no homozygotes.

Submission:

GeneDx
Classification: Uncertain significance. Last evaluated: 2024-07-25. Review status: criteria provided, single submitter. Criteria: GeneDx Variant Classification Process June 2021. Collection method: clinical testing. Allele origin: germline. Affected: yes.
Comment: Not observed at significant frequency in large population cohorts (gnomAD); In silico analysis indicates that this missense variant does not alter protein structure/function; Has not been previously published as pathogenic or benign to our knowledge